The following is an entry in ClinVar:

ClinVar aggregate classification (germline): Uncertain significance. Review status: criteria provided, single submitter (1 of 4 stars). 2 submissions from 2 submitters: Uncertain significance (1). 1 of the submissions does not count toward it. Last evaluated 2022-02-09.

Conditions:
Bardet-Biedl syndrome (BBS). Identifiers: Orphanet 110, MedGen C0752166, MONDO:0015229.
BBS9-related disorder. Also called: BBS9-related condition.

Allele frequency attached by ClinVar (database versions not stated): gnomAD exomes below 0.00001; ExAC 0.00001.
gnomAD v4.1: 1 of 1,613,978 alleles (0.000062%); highest among the groups gnomAD compares: Non-Finnish European, 0.000085%; no homozygotes.

Submissions (2):

Labcorp Genetics (formerly Invitae), Labcorp
Classification: Uncertain significance for Bardet-Biedl syndrome. Last evaluated: 2022-02-09. Review status: criteria provided, single submitter. Criteria: Invitae Variant Classification Sherloc (09022015). Collection method: clinical testing. Allele origin: germline.
Comment: This sequence change replaces glycine, which is neutral and non-polar, with glutamic acid, which is acidic and polar, at codon 84 of the BBS9 protein (p.Gly84Glu). This variant is present in population databases (rs766917697, gnomAD 0.0009%). This variant has not been reported in the literature in individuals affected with BBS9-related conditions. ClinVar contains an entry for this variant (Variation ID: 1010263). Algorithms developed to predict the effect of missense changes on protein structure and function (SIFT, PolyPhen-2, Align-GVGD) all suggest that this variant is likely to be disruptive. In summary, the available evidence is currently insufficient to determine the role of this variant in disease. Therefore, it has been classified as a Variant of Uncertain Significance.

PreventionGenetics, part of Exact Sciences
Classification: Uncertain significance for BBS9-related condition. Last evaluated: 2024-05-08. Review status: no assertion criteria provided. Collection method: clinical testing. Allele origin: germline. Not counted in ClinVar's aggregate classification.
Comment: The BBS9 c.251G>A variant is predicted to result in the amino acid substitution p.Gly84Glu. To our knowledge, this variant has not been reported in the literature. This variant is reported in 0.00088% of alleles in individuals of European (Non-Finnish) descent in gnomAD. At this time, the clinical significance of this variant is uncertain due to the absence of conclusive functional and genetic evidence.

NM_198428.3(BBS9):c.251G>A (p.Gly84Glu)

Gene: BBS9 (Bardet-Biedl syndrome 9; plus strand). Cytogenetic location: 7p14.3.
Variant type: single nucleotide variant.
Coding change: c.251G>A on transcript NM_198428.3 (MANE Select); coding-DNA position 251, G replaced by A.
Protein change: p.Gly84Glu; replaces glycine 84 with glutamic acid.
Molecular consequence: missense variant. On other transcripts: 5 prime UTR variant (4), non-coding transcript variant (3), intron variant (2).
Genome position (GRCh38, 1-based): chr7:33,152,839, G>A. VCF-style: chr7-33152839-G-A. GRCh37 (hg19) VCF-style: chr7-33192451-G-A.
Other names: c.251G>A (NM_198428.2); c.251G>A, p.Gly84Glu (NM_001033604.2, NM_001033605.2, NM_001348036.1 and 5 more transcripts); c.-51G>A (NM_001348037.3, NM_001348045.3); c.-27G>A (NM_001348038.3, NM_001348039.3); c.116G>A, p.Gly39Glu (NM_001348042.3); c.-39+22798G>A (NM_001348046.3, NM_001348044.3); short protein forms G39E, G84E.
Identifiers: ClinVar variation 1010263 (VCV001010263.7), dbSNP rs766917697, ClinGen allele CA4213908.